The following is an entry in ClinVar:

NM_004656.4(BAP1):c.1931C>T (p.Ala644Val)

Gene: BAP1 (BRCA1 associated deubiquitinase 1; minus strand). Cytogenetic location: 3p21.1.
Variant type: single nucleotide variant.
Coding change: c.1931C>T on transcript NM_004656.4 (MANE Select); coding-DNA position 1931, C replaced by T.
Protein change: p.Ala644Val; replaces alanine 644 with valine.
Molecular consequence: missense variant.
Genome position (GRCh38, 1-based): chr3:52,402,831, G>A on the plus strand (C>T on the coding strand, the complement: BAP1 is on the minus strand). VCF-style: chr3-52402831-G-A. GRCh37 (hg19) VCF-style: chr3-52436847-G-A.
Other names: short protein forms A644V.
Identifiers: ClinVar variation 472685 (VCV000472685.24), dbSNP rs551399575, ClinGen allele CA2436657.

ClinVar aggregate classification (germline): Conflicting classifications of pathogenicity. Review status: criteria provided, conflicting classifications (1 of 4 stars). 7 submissions from 7 submitters: Uncertain significance (4); Likely benign (3). Last evaluated 2026-01-25.

Conditions:
BAP1-related disorder. Also called: BAP1-related condition.
Hereditary cancer-predisposing syndrome. Also called: Neoplastic Syndromes, Hereditary; Hereditary Cancer Syndrome; Tumor predisposition; Hereditary neoplastic syndrome. Identifiers: Orphanet 140162, MedGen C0027672, MeSH D009386, MONDO:0015356.
BAP1-related tumor predisposition syndrome (TPDS1). Also called: Tumor susceptibility linked to germline BAP1 mutations; COMMON Syndrome; BAP1 tumor predisposition syndrome; TUMOR PREDISPOSITION SYNDROME 1. Identifiers: Orphanet 289539, MedGen C3280492, MONDO:0013692, OMIM 614327.

Allele frequency attached by ClinVar (database versions not stated): ExAC 0.00001; gnomAD exomes 0.00002 and 0.00003; gnomAD 0.00004; TOPMed 0.00004.
gnomAD v4.1: 44 of 1,614,070 alleles (0.0027%); highest among the groups gnomAD compares: Non-Finnish European, 0.0037%; no homozygotes.

Submissions (7):

Labcorp Genetics (formerly Invitae), Labcorp
Classification: Uncertain significance for BAP1-related tumor predisposition syndrome. Last evaluated: 2026-01-25. Review status: criteria provided, single submitter. Criteria: Invitae Variant Classification Sherloc (09022015). Collection method: clinical testing. Allele origin: germline.
Comment: This sequence change replaces alanine, which is neutral and non-polar, with valine, which is neutral and non-polar, at codon 644 of the BAP1 protein (p.Ala644Val). This variant is present in population databases (rs551399575, gnomAD 0.004%). This variant has not been reported in the literature in individuals affected with BAP1-related conditions. ClinVar contains an entry for this variant (Variation ID: 472685). Invitae Evidence Modeling of protein sequence and biophysical properties (such as structural, functional, and spatial information, amino acid conservation, physicochemical variation, residue mobility, and thermodynamic stability) indicates that this missense variant is not expected to disrupt BAP1 protein function with a negative predictive value of 80%. Experimental studies have shown that this missense change does not substantially affect BAP1 function (PMID: 28062663). In summary, the available evidence is currently insufficient to determine the role of this variant in disease. Therefore, it has been classified as a Variant of Uncertain Significance.

PreventionGenetics, part of Exact Sciences
Classification: Uncertain significance for BAP1-related condition. Last evaluated: 2025-05-23. Review status: criteria provided, single submitter. Criteria: ACMG Guidelines, 2015. Collection method: clinical testing. Allele origin: germline.
Comment: The BAP1 c.1931C>T variant is predicted to result in the amino acid substitution p.Ala644Val. This variant has been reported in an individual with melanoma (Table 1, O'Shea et al. 2017. PubMed ID: 28062663). This variant is reported in 0.0039% of alleles in individuals of European (Non-Finnish) descent in gnomAD. It has conflicting interpretations of likely benign and uncertain significance in ClinVar. Although we suspect that this variant may be benign, the clinical significance of this variant is classified as uncertain at this time due to insufficient functional and genetic evidence.

Quest Diagnostics Nichols Institute San Juan Capistrano
Classification: Uncertain significance. Last evaluated: 2025-04-22. Review status: criteria provided, single submitter. Criteria: Quest Diagnostics criteria. Collection method: clinical testing. Allele origin: unknown.
Comment: The BAP1 c.1931C>T (p.Ala644Val) variant has been reported in the published literature in an individual with melanoma (PMID: 28062663 (2017)). Functional assessment of this variant suggests that it does not significantly affect BAP1 protein function (PMID: 38969833 (2024)). The frequency of this variant in the general population (Genome Aggregation Database) is uninformative in the assessment of its pathogenicity. Analysis of this variant using bioinformatics tools for the prediction of the effect of amino acid changes on protein structure and function yielded conflicting predictions that this variant is benign or damaging. Based on the available information, we are unable to determine the clinical significance of this variant.

Color Diagnostics, LLC DBA Color Health
Classification: Likely benign for Hereditary cancer-predisposing syndrome. Last evaluated: 2024-09-19. Review status: criteria provided, single submitter. Criteria: ACMG Guidelines, 2015. Collection method: clinical testing. Allele origin: germline.

Myriad Genetics, Inc.
Classification: Likely benign for BAP1-related tumor predisposition syndrome. Last evaluated: 2024-07-17. Review status: criteria provided, single submitter. Criteria: Myriad Autosomal Dominant, Autosomal Recessive and X-Linked Classification Criteria (2023). Collection method: clinical testing. Allele origin: unknown.
Comment: This variant is considered likely benign. This variant has been observed at a population frequency that is significantly greater than expected given the associated disease prevalence and penetrance.

GeneDx
Classification: Uncertain significance. Last evaluated: 2023-11-14. Review status: criteria provided, single submitter. Criteria: GeneDx Variant Classification Process June 2021. Collection method: clinical testing. Allele origin: germline. Affected: yes.
Comment: In silico analysis supports that this missense variant does not alter protein structure/function; Observed in a patient with melanoma (PMID: 28062663); Published functional studies suggest a neutral effect: deubiquitinase activity similar to wild type (PMID: 28062663); This variant is associated with the following publications: (PMID: 28062663)

Ambry Genetics
Classification: Likely benign for Hereditary cancer-predisposing syndrome. Last evaluated: 2020-11-20. Review status: criteria provided, single submitter. Criteria: Ambry Variant Classification Scheme 2023. Collection method: clinical testing. Allele origin: germline.

Literature cited by the submitters: PubMed 28062663 (cited by 3 submitters); PubMed 32483240 (cited by Quest Diagnostics Nichols Institute San Juan Capistrano); PubMed 38969833 (cited by Quest Diagnostics Nichols Institute San Juan Capistrano).